The following is an entry in ClinVar:

ClinVar aggregate classification (germline): Likely benign (0 of 4 stars; one submission).

Conditions:
PHIP-related disorder. Also called: PHIP-related disorders; PHIP-related condition.

Submission:

PreventionGenetics, part of Exact Sciences
Classification: Likely benign for PHIP-related condition. Last evaluated: 2021-12-09. Review status: no assertion criteria provided. Collection method: clinical testing. Allele origin: germline.
Comment: This variant is classified as likely benign based on ACMG/AMP sequence variant interpretation guidelines (Richards et al. 2015 PMID: 25741868, with internal and published modifications).

NM_017934.7(PHIP):c.3656+1237_3656+1239del

Genes: IRAK1BP1 (interleukin 1 receptor associated kinase 1 binding protein 1; plus strand), PHIP (PHIP subunit of CUL4-Ring ligase complex; minus strand). Cytogenetic location: 6q14.1.
Variant type: Deletion.
Coding change: c.3656+1237_3656+1239del on transcript NM_017934.7 (MANE Select); bases 1237 to 1239 of the intron after coding-DNA position 3656, 3 bases deleted (AAA; older notation c.3656+1237_3656+1239delAAA).
Molecular consequence: intron variant.
Genome position (GRCh38, 1-based): chr6:78,960,451-78,960,453, TTT deleted on the plus strand (AAA on the coding strand, the reverse complement: PHIP is on the minus strand); deleting any 3 consecutive bases within chr6:78,960,451-78,960,466 gives the same sequence; the c. name uses the placement nearest the transcript's 3' end. VCF-style (leftmost placement, unchanged base first): chr6-78960450-CTTT-C. GRCh37 (hg19) VCF-style: chr6-79670167-CTTT-C.
Identifiers: ClinVar variation 3047309 (VCV003047309.2), dbSNP rs1208567579, ClinGen allele CA1090912815.